The following is an entry in ClinVar:

ClinVar aggregate classification (germline): Uncertain significance (1 of 4 stars; one submission).

Conditions:
Developmental and epileptic encephalopathy, 13 (DEE13). Also called: Early infantile epileptic encephalopathy 13; Developmental and Epileptic Encephalopathy (SCN8A-DEE); SCN8A-Related Epilepsy. Identifiers: Orphanet 442835, MedGen C3281191, MONDO:0013801, OMIM 614558.

Submission:

3billion
Classification: Uncertain significance for Developmental and epileptic encephalopathy, 13. Last evaluated: 2023-06-12. Review status: criteria provided, single submitter. Criteria: ACMG Guidelines, 2015. Collection method: clinical testing. Allele origin: germline. Affected: yes.
Comment: The variant is not observed in the gnomAD v2.1.1 dataset. Predicted Consequence/Location: Missense changes are a common disease-causing mechanism. In silico tool predictions suggest damaging effect of the variant on gene or gene product (REVEL: 0.82; 3Cnet: 0.87). Therefore, this variant is classified as VUS according to the recommendation of ACMG/AMP guideline.

NM_001330260.2(SCN8A):c.4926T>G (p.Phe1642Leu)

Gene: SCN8A (sodium voltage-gated channel alpha subunit 8; plus strand). Cytogenetic location: 12q13.13.
Variant type: single nucleotide variant.
Coding change: c.4926T>G on transcript NM_001330260.2 (MANE Select); coding-DNA position 4926, T replaced by G.
Protein change: p.Phe1642Leu; replaces phenylalanine 1642 with leucine.
Molecular consequence: missense variant.
Genome position (GRCh38, 1-based): chr12:51,806,412, T>G. VCF-style: chr12-51806412-T-G. GRCh37 (hg19) VCF-style: chr12-52200196-T-G.
Other names: c.4803T>G, p.Phe1601Leu (NM_001177984.3, NM_001369788.1); c.4926T>G, p.Phe1642Leu (NM_014191.4); short protein forms F1601L, F1642L.
Identifiers: ClinVar variation 3775482 (VCV003775482.1).
Genomic context (GRCh38, chr12:51,806,412, plus strand): 5'-CCGTATTGGGCGCATCTTGCGTCTGATCAAAGGCGCCAAAGGGATTCGTACCCTGCTCTT[T>G]GCCTTAATGATGTCCTTGCCTGCCCTGTTCAACATCGGCCTTCTGCTCTTCCTGGTCATG-3'
Protein context (NP_001317189.1, residues 1632-1652): KGAKGIRTLL[Phe1642Leu]ALMMSLPALF